The following is an entry in ClinVar:

NM_000388.4(CASR):c.220A>G (p.Met74Val)

Gene: CASR (calcium sensing receptor; plus strand). Cytogenetic location: 3q21.1.
Variant type: single nucleotide variant.
Coding change: c.220A>G on transcript NM_000388.4 (MANE Select); coding-DNA position 220, A replaced by G.
Protein change: p.Met74Val; replaces methionine 74 with valine.
Molecular consequence: missense variant.
Genome position (GRCh38, 1-based): chr3:122,257,115, A>G. VCF-style: chr3-122257115-A-G. GRCh37 (hg19) VCF-style: chr3-121975962-A-G.
Other names: c.220A>G, p.Met74Val (NM_001178065.2); short protein forms M74V.
Identifiers: ClinVar variation 1488908 (VCV001488908.9), dbSNP rs745377913, ClinGen allele CA354362414.
Genomic context (GRCh38, chr3:122,257,115, plus strand): 5'-TTTCTTCCACTTCTTCTTTCTTCCAGGTATAATTTCCGTGGGTTTCGCTGGTTACAGGCT[A>G]TGATATTTGCCATAGAGGAGATAAACAGCAGCCCAGCCCTTCTTCCCAACTTGACGCTGG-3'
Protein context (NP_000379.3, residues 64-84): NFRGFRWLQA[Met74Val]IFAIEEINSS

ClinVar aggregate classification (germline): Uncertain significance. Review status: criteria provided, multiple submitters, no conflicts (2 of 4 stars). 3 submissions from 3 submitters: Uncertain significance (3). Last evaluated 2025-12-19.

Conditions:
Familial hypocalciuric hypercalcemia (FHH). Also called: Familial benign hypercalcemia. Identifiers: Orphanet 405, MedGen C1809471, MONDO:0018458.
Autosomal dominant hypocalcemia 1 (HYPOC1). Also called: HYPOCALCEMIA, FAMILIAL. Identifiers: MedGen C3715128, MONDO:0011013, OMIM 601198.

Submissions (3):

Labcorp Genetics (formerly Invitae), Labcorp
Classification: Uncertain significance for Familial hypocalciuric hypercalcemia; Autosomal dominant hypocalcemia 1. Last evaluated: 2025-12-19. Review status: criteria provided, single submitter. Criteria: Invitae Variant Classification Sherloc (09022015). Collection method: clinical testing. Allele origin: germline.
Comment: This sequence change replaces methionine, which is neutral and non-polar, with valine, which is neutral and non-polar, at codon 74 of the CASR protein (p.Met74Val). This variant is not present in population databases (gnomAD no frequency). This missense change has been observed in individual(s) with hypocalciuric hypercalcemia type 1 or primary hyperparathyroidism (PMID: 26963950, 32347971). ClinVar contains an entry for this variant (Variation ID: 1488908). An algorithm developed to predict the effect of missense changes on protein structure and function (PolyPhen-2) suggests that this variant is likely to be disruptive. In summary, the available evidence is currently insufficient to determine the role of this variant in disease. Therefore, it has been classified as a Variant of Uncertain Significance.

Women's Health and Genetics/Laboratory Corporation of America, LabCorp
Classification: Uncertain significance. Last evaluated: 2025-08-05. Review status: criteria provided, single submitter. Criteria: LabCorp Variant Classification Summary - May 2015. Collection method: clinical testing. Allele origin: germline.
Comment: Variant summary: CASR c.220A>G (p.Met74Val) results in a conservative amino acid change located in the Receptor, ligand binding domain (IPR001828) of the encoded protein sequence. Algorithms developed to predict the effect of missense changes on protein structure and function are either unavailable or do not agree on the potential impact of this missense change. The variant was absent in 251342 control chromosomes. c.220A>G has been observed in individual(s) affected with Autosomal Dominant Hypocalcemia(Vargas-Poussou_2016, Mouly_2020). These data indicate that the variant may be associated with disease. To our knowledge, no experimental evidence demonstrating an impact on protein function has been reported. The following publications have been ascertained in the context of this evaluation (PMID: 32347971, 26963950). ClinVar contains an entry for this variant (Variation ID: 1488908). Based on the evidence outlined above, the variant was classified as VUS-possibly pathogenic.

Blueprint Genetics
Classification: Uncertain significance. Last evaluated: 2021-08-02. Review status: criteria provided, single submitter. Criteria: ACMG Guidelines, 2015. Collection method: clinical testing. Allele origin: germline.

Literature cited by the submitters: PubMed 26963950 (cited by Labcorp Genetics (formerly Invitae), Labcorp and Women's Health and Genetics/Laboratory Corporation of America, LabCorp); PubMed 32347971 (cited by Labcorp Genetics (formerly Invitae), Labcorp and Women's Health and Genetics/Laboratory Corporation of America, LabCorp).